The following is an entry in ClinVar:

ClinVar aggregate classification (germline): Uncertain significance (1 of 4 stars; one submission).

Conditions:
Amyotrophic lateral sclerosis type 1 (ALS1). Also called: AMYOTROPHIC LATERAL SCLEROSIS 1, FAMILIAL. Identifiers: Orphanet 803, MedGen C1862939, MONDO:0007103, OMIM 105400.
Perry syndrome. Also called: PARKINSONISM WITH ALVEOLAR HYPOVENTILATION AND MENTAL DEPRESSION. Identifiers: Orphanet 178509, MedGen C1868594, MONDO:0008201, OMIM 168605.
Neuronopathy, distal hereditary motor, type 7B. Also called: Distal Hereditary Motor Neuronopathy Type 7B (dHMN7B); NEURONOPATHY, DISTAL HEREDITARY MOTOR, AUTOSOMAL DOMINANT 14; NEURONOPATHY, DISTAL HEREDITARY MOTOR, HARDING TYPE VIIB; NEUROPATHY, DISTAL HEREDITARY MOTOR, HARDING TYPE VIIB; NEUROPATHY, DISTAL HEREDITARY MOTOR, WITH VOCAL CORD PARALYSIS, HARDING TYPE VIIB; HMN VIIB. Identifiers: Orphanet 139589, MedGen C1843315, MONDO:0011879, OMIM 607641.

Submission:

Labcorp Genetics (formerly Invitae), Labcorp
Classification: Uncertain significance for Amyotrophic lateral sclerosis type 1; Neuronopathy, distal hereditary motor, type 7B; Perry syndrome. Last evaluated: 2023-02-02. Review status: criteria provided, single submitter. Criteria: Invitae Variant Classification Sherloc (09022015). Collection method: clinical testing. Allele origin: germline.
Comment: This sequence change replaces threonine, which is neutral and polar, with serine, which is neutral and polar, at codon 1058 of the DCTN1 protein (p.Thr1058Ser). This variant is present in population databases (no rsID available, gnomAD 0.0009%). This variant has not been reported in the literature in individuals affected with DCTN1-related conditions. ClinVar contains an entry for this variant (Variation ID: 654545). Algorithms developed to predict the effect of missense changes on protein structure and function are either unavailable or do not agree on the potential impact of this missense change (SIFT: "Deleterious"; PolyPhen-2: "Benign"; Align-GVGD: "Class C55"). In summary, the available evidence is currently insufficient to determine the role of this variant in disease. Therefore, it has been classified as a Variant of Uncertain Significance.

NM_004082.5(DCTN1):c.3172A>T (p.Thr1058Ser)

Gene: DCTN1 (dynactin subunit 1; minus strand). Cytogenetic location: 2p13.1.
Variant type: single nucleotide variant.
Coding change: c.3172A>T on transcript NM_004082.5 (MANE Select); coding-DNA position 3172, A replaced by T.
Protein change: p.Thr1058Ser; replaces threonine 1058 with serine.
Molecular consequence: missense variant. On other transcripts: non-coding transcript variant (1).
Genome position (GRCh38, 1-based): chr2:74,365,099, T>A on the plus strand (A>T on the coding strand, the complement: DCTN1 is on the minus strand). VCF-style: chr2-74365099-T-A. GRCh37 (hg19) VCF-style: chr2-74592226-T-A.
Other names: c.3112A>T, p.Thr1038Ser (NM_001135040.3); c.2770A>T, p.Thr924Ser (NM_001135041.3, NM_023019.4); c.3061A>T, p.Thr1021Ser (NM_001190836.2); c.3151A>T, p.Thr1051Ser (NM_001190837.2); c.3121A>T, p.Thr1041Ser (NM_001378991.1); c.3103A>T, p.Thr1035Ser (NM_001378992.1); short protein forms T924S, T1021S, T1038S, T1051S, T1058S, T1035S, T1041S.
Identifiers: ClinVar variation 654545 (VCV000654545.9), dbSNP rs1470101332, ClinGen allele CA347339737.